The following is an entry in ClinVar:

ClinVar aggregate classification (germline): Uncertain significance (1 of 4 stars; one submission).

Conditions:
Autosomal dominant limb-girdle muscular dystrophy type 1D (DNAJB6) (LGMDD1). Also called: MUSCULAR DYSTROPHY, LIMB-GIRDLE, TYPE 1D; Autosomal dominant limb-girdle muscular dystrophy type 1D; Muscular dystrophy, limb-girdle, autosomal dominant 1; MUSCULAR DYSTROPHY, AUTOSOMAL DOMINANT, WITH RIMMED VACUOLES. Identifiers: Orphanet 34516, MedGen C4721885, MONDO:0021018, OMIM 603511.

Submission:

Labcorp Genetics (formerly Invitae), Labcorp
Classification: Uncertain significance for Autosomal dominant limb-girdle muscular dystrophy type 1D (DNAJB6). Last evaluated: 2021-04-05. Review status: criteria provided, single submitter. Criteria: Invitae Variant Classification Sherloc (09022015). Collection method: clinical testing. Allele origin: germline.
Comment: In summary, the available evidence is currently insufficient to determine the role of this variant in disease. Therefore, it has been classified as a Variant of Uncertain Significance. Algorithms developed to predict the effect of missense changes on protein structure and function are either unavailable or do not agree on the potential impact of this missense change (SIFT: "Tolerated"; PolyPhen-2: "Possibly Damaging"; Align-GVGD: "Class C0"). This variant has not been reported in the literature in individuals with DNAJB6-related conditions. This variant is not present in population databases (ExAC no frequency). This sequence change replaces arginine with threonine at codon 101 of the DNAJB6 protein (p.Arg101Thr). The arginine residue is highly conserved and there is a moderate physicochemical difference between arginine and threonine.

NM_058246.4(DNAJB6):c.302G>C (p.Arg101Thr)

Gene: DNAJB6 (DnaJ heat shock protein family (Hsp40) member B6; plus strand). Cytogenetic location: 7q36.3.
Variant type: single nucleotide variant.
Coding change: c.302G>C on transcript NM_058246.4 (MANE Select); coding-DNA position 302, G replaced by C.
Protein change: p.Arg101Thr; replaces arginine 101 with threonine.
Molecular consequence: missense variant.
Genome position (GRCh38, 1-based): chr7:157,367,439, G>C. VCF-style: chr7-157367439-G-C. GRCh37 (hg19) VCF-style: chr7-157160133-G-C.
Other names: c.302G>C, p.Arg101Thr (NM_001363676.1, NM_005494.3); short protein forms R101T.
Identifiers: ClinVar variation 1419355 (VCV001419355.8), dbSNP rs1799899451, ClinGen allele CA370166169.